The following is an entry in ClinVar:

ClinVar aggregate classification (germline): Pathogenic (1 of 4 stars; one submission).

Conditions:
Primary ciliary dyskinesia 3. Identifiers: Orphanet 244, MedGen C1837618, MONDO:0012085, OMIM 608644.

Submission:

Myriad Genetics, Inc.
Classification: Pathogenic for Primary ciliary dyskinesia 3. Last evaluated: 2024-05-14. Review status: criteria provided, single submitter. Criteria: Myriad Autosomal Dominant, Autosomal Recessive and X-Linked Classification Criteria (2023). Collection method: clinical testing. Allele origin: unknown.
Comment: NM_001369.2(DNAH5):c.11301_11302ins16(L3768Cfs*17) is expected to be pathogenic in the context of primary ciliary dyskinesia, DNAH5-related. This variant is predicted to lead to an abnormal or absent protein product due to the creation of a premature termination codon in DNAH5, a gene where loss-of-function variants are known to be pathogenic. Please note: this variant was assessed in the context of healthy population screening.

NM_001369.3(DNAH5):c.11301_11302insTGTCTCTTATACACAT (p.Leu3768fs)

Genes: DNAH5 (dynein axonemal heavy chain 5; minus strand), LOC107457585 (meiotic recombination hotspot J; plus strand). Cytogenetic location: 5p15.2.
Variant type: Insertion.
Coding change: c.11301_11302insTGTCTCTTATACACAT on transcript NM_001369.3 (MANE Select); coding-DNA positions 11301 to 11302, TGTCTCTTATACACAT inserted.
Protein change: p.Leu3768fs; shifts the reading frame from leucine 3768.
Molecular consequence: frameshift variant.
Genome position: GRCh38 VCF-style: chr5-13737405-G-GATGTGTATAAGAGACA. GRCh37 (hg19) VCF-style: chr5-13737514-G-GATGTGTATAAGAGACA.
Other names: short protein forms L3768fs.
Identifiers: ClinVar variation 5010525 (VCV005010525.1).